The following is an entry in ClinVar:

ClinVar aggregate classification (germline): Uncertain significance (1 of 4 stars; one submission).

Allele frequency attached by ClinVar (database versions not stated): gnomAD exomes below 0.00001; gnomAD 0.00001; TOPMed 0.00001.
gnomAD v4.1: 6 of 1,614,170 alleles (0.00037%); highest among the groups gnomAD compares: African/African-American, 0.0067%; no homozygotes.

Submission:

Labcorp Genetics (formerly Invitae), Labcorp
Classification: Uncertain significance. Last evaluated: 2022-07-05. Review status: criteria provided, single submitter. Criteria: Invitae Variant Classification Sherloc (09022015). Collection method: clinical testing. Allele origin: germline.
Comment: This sequence change replaces alanine, which is neutral and non-polar, with threonine, which is neutral and polar, at codon 642 of the CNGA1 protein (p.Ala642Thr). This variant is present in population databases (rs189580090, gnomAD 0.007%). This variant has not been reported in the literature in individuals affected with CNGA1-related conditions. ClinVar contains an entry for this variant (Variation ID: 1054685). Algorithms developed to predict the effect of missense changes on protein structure and function (SIFT, PolyPhen-2, Align-GVGD) all suggest that this variant is likely to be disruptive. In summary, the available evidence is currently insufficient to determine the role of this variant in disease. Therefore, it has been classified as a Variant of Uncertain Significance.

NM_001379270.1(CNGA1):c.1912G>A (p.Ala638Thr)

Genes: CNGA1 (cyclic nucleotide gated channel subunit alpha 1; minus strand), LOC101927157 (uncharacterized LOC101927157; plus strand). Cytogenetic location: 4p12.
Variant type: single nucleotide variant.
Coding change: c.1912G>A on transcript NM_001379270.1 (MANE Select); coding-DNA position 1912, G replaced by A.
Protein change: p.Ala638Thr; replaces alanine 638 with threonine.
Molecular consequence: missense variant.
Genome position (GRCh38, 1-based): chr4:47,936,570, C>T on the plus strand (G>A on the coding strand, the complement: CNGA1 is on the minus strand). VCF-style: chr4-47936570-C-T. GRCh37 (hg19) VCF-style: chr4-47938587-C-T.
Other names: c.1912G>A, p.Ala638Thr (NM_000087.5, NM_001142564.2); short protein forms A638T.
Identifiers: ClinVar variation 1054685 (VCV001054685.9), dbSNP rs189580090, ClinGen allele CA96687931.